The following is an entry in ClinVar:

ClinVar aggregate classification (germline): Uncertain significance. Review status: criteria provided, multiple submitters, no conflicts (2 of 4 stars). 2 submissions from 2 submitters: Uncertain significance (2). Last evaluated 2025-08-11.

Conditions:
Aortic aneurysm, familial thoracic 4 (AAT4). Also called: AORTIC ANEURYSM/AORTIC DISSECTION AND PATENT DUCTUS ARTERIOSUS. Identifiers: MedGen C1851504, MONDO:0007568, OMIM 132900.

Allele frequency attached by ClinVar (database versions not stated): gnomAD 0.00001; TOPMed 0.00001.
gnomAD v4.1: 1 of 1,613,868 alleles (0.000062%); highest among the groups gnomAD compares: African/African-American, 0.0013%; no homozygotes.

Submissions (2):

GeneDx
Classification: Uncertain significance. Last evaluated: 2025-08-11. Review status: criteria provided, single submitter. Criteria: GeneDx Variant Classification Process June 2021. Collection method: clinical testing. Allele origin: germline. Affected: yes.
Comment: Not observed at significant frequency in large population cohorts (gnomAD); In silico analysis supports that this missense variant has a deleterious effect on protein structure/function; Has not been previously published as pathogenic or benign to our knowledge

Labcorp Genetics (formerly Invitae), Labcorp
Classification: Uncertain significance for Aortic aneurysm, familial thoracic 4. Last evaluated: 2023-05-01. Review status: criteria provided, single submitter. Criteria: Invitae Variant Classification Sherloc (09022015). Collection method: clinical testing. Allele origin: germline.
Comment: This sequence change replaces glutamic acid, which is acidic and polar, with glycine, which is neutral and non-polar, at codon 1607 of the MYH11 protein (p.Glu1607Gly). This variant is not present in population databases (gnomAD no frequency). This variant has not been reported in the literature in individuals affected with MYH11-related conditions. Advanced modeling of protein sequence and biophysical properties (such as structural, functional, and spatial information, amino acid conservation, physicochemical variation, residue mobility, and thermodynamic stability) performed at Invitae indicates that this missense variant is not expected to disrupt MYH11 protein function. In summary, the available evidence is currently insufficient to determine the role of this variant in disease. Therefore, it has been classified as a Variant of Uncertain Significance.

NM_002474.3(MYH11):c.4799A>G (p.Glu1600Gly)

Genes: MYH11 (myosin heavy chain 11; minus strand), NDE1 (nudE neurodevelopment protein 1; plus strand). Cytogenetic location: 16p13.11.
Variant type: single nucleotide variant.
Coding change: c.4799A>G on transcript NM_002474.3 (MANE Select); coding-DNA position 4799, A replaced by G.
Protein change: p.Glu1600Gly; replaces glutamic acid 1600 with glycine.
Molecular consequence: missense variant. On other transcripts: intron variant (2).
Genome position (GRCh38, 1-based): chr16:15,720,305, T>C on the plus strand (A>G on the coding strand, the complement: MYH11 is on the minus strand). VCF-style: chr16-15720305-T-C. GRCh37 (hg19) VCF-style: chr16-15814162-T-C.
Other names: c.4820A>G, p.Glu1607Gly (NM_001040113.2, NM_001040114.2); c.4799A>G, p.Glu1600Gly (NM_022844.3); c.948-3886T>C (NM_001143979.2, NM_017668.3); short protein forms E1607G, E1600G.
Identifiers: ClinVar variation 2980470 (VCV002980470.3), dbSNP rs2040398500, ClinGen allele CA394852837.